The following is an entry in ClinVar:

ClinVar aggregate classification (germline): Uncertain significance (1 of 4 stars; one submission).

Conditions:
Biotin-responsive basal ganglia disease (BTBGD). Also called: Thiamine Transporter-2 Deficiency; THIAMINE METABOLISM DYSFUNCTION SYNDROME 2 (BIOTIN- AND THIAMINE-RESPONSIVE TYPE); thiamine-responsive encephalopathy; Thiamine metabolism dysfunction syndrome type 2; Thiamine metabolism dysfunction syndrome 2 (biotin- or thiamine-responsive encephalopathy type 2). Identifiers: Orphanet 199348, Orphanet 65284, MedGen C1843807, MONDO:0011841, OMIM 607483.

Allele frequency attached by ClinVar (database versions not stated): gnomAD exomes below 0.00001.
gnomAD v4.1: 2 of 1,587,438 alleles (0.00013%); highest among the groups gnomAD compares: Non-Finnish European, 0.00017%; no homozygotes.

Submission:

Labcorp Genetics (formerly Invitae), Labcorp
Classification: Uncertain significance for Biotin-responsive basal ganglia disease. Last evaluated: 2021-06-07. Review status: criteria provided, single submitter. Criteria: Invitae Variant Classification Sherloc (09022015). Collection method: clinical testing. Allele origin: germline.
Comment: This sequence change replaces alanine with threonine at codon 333 of the SLC19A3 protein (p.Ala333Thr). The alanine residue is moderately conserved and there is a small physicochemical difference between alanine and threonine. This variant is not present in population databases (ExAC no frequency). This variant has not been reported in the literature in individuals with SLC19A3-related conditions. Advanced modeling of protein sequence and biophysical properties (such as structural, functional, and spatial information, amino acid conservation, physicochemical variation, residue mobility, and thermodynamic stability) performed at Invitae indicates that this missense variant is not expected to disrupt SLC19A3 protein function. In summary, the available evidence is currently insufficient to determine the role of this variant in disease. Therefore, it has been classified as a Variant of Uncertain Significance.

NM_025243.4(SLC19A3):c.997G>A (p.Ala333Thr)

Gene: SLC19A3 (solute carrier family 19 member 3; minus strand). Cytogenetic location: 2q36.3.
Variant type: single nucleotide variant.
Coding change: c.997G>A on transcript NM_025243.4 (MANE Select); coding-DNA position 997, G replaced by A.
Protein change: p.Ala333Thr; replaces alanine 333 with threonine.
Molecular consequence: missense variant.
Genome position (GRCh38, 1-based): chr2:227,696,064, C>T on the plus strand (G>A on the coding strand, the complement: SLC19A3 is on the minus strand). VCF-style: chr2-227696064-C-T. GRCh37 (hg19) VCF-style: chr2-228560780-C-T.
Other names: c.997G>A, p.Ala333Thr (NM_001371411.1, NM_001371412.1); c.985G>A, p.Ala329Thr (NM_001371413.1, NM_001371414.1); short protein forms A329T, A333T.
Identifiers: ClinVar variation 1371688 (VCV001371688.8), dbSNP rs2106326082, ClinGen allele CA350876004.